The following is an entry in ClinVar:

NM_001244008.2(KIF1A):c.5066A>G (p.His1689Arg)

Gene: KIF1A (kinesin family member 1A; minus strand). Cytogenetic location: 2q37.3.
Variant type: single nucleotide variant.
Coding change: c.5066A>G on transcript NM_001244008.2 (MANE Select); coding-DNA position 5066, A replaced by G.
Protein change: p.His1689Arg; replaces histidine 1689 with arginine.
Molecular consequence: missense variant.
Genome position (GRCh38, 1-based): chr2:240,719,154, T>C on the plus strand (A>G on the coding strand, the complement: KIF1A is on the minus strand). VCF-style: chr2-240719154-T-C. GRCh37 (hg19) VCF-style: chr2-241658571-T-C.
Other names: c.4790A>G, p.His1597Arg (NM_001320705.2, NM_001379649.1); c.4817A>G, p.His1606Arg (NM_001330289.2); c.4865A>G, p.His1622Arg (NM_001330290.2, NM_001379648.1); c.5141A>G, p.His1714Arg (NM_001379631.1); c.5042A>G, p.His1681Arg (NM_001379632.1); c.5039A>G, p.His1680Arg (NM_001379633.1, NM_001379645.1); c.4892A>G, p.His1631Arg (NM_001379634.1); c.4889A>G, p.His1630Arg (NM_001379635.1, NM_001379646.1); and 7 more; short protein forms H1588R, H1605R, H1631R, H1680R, H1622R, H1626R, H1596R, H1613R.
Identifiers: ClinVar variation 1969653 (VCV001969653.5), dbSNP rs1476685970, ClinGen allele CA351298742.

ClinVar aggregate classification (germline): Uncertain significance (1 of 4 stars; one submission).

Conditions:
Hereditary spastic paraplegia 30. Identifiers: Orphanet 101010, MedGen C5235139, MONDO:0012476.
Neuropathy, hereditary sensory, type 2C. Also called: Hereditary sensory and autonomic neuropathy type IIC; KIF1A-Related HSAN2 (HSAN2C). Identifiers: Orphanet 970, MedGen C3280168, MONDO:0013634, OMIM 614213.
Intellectual disability, autosomal dominant 9 (NESCAVS). Also called: NESCAV SYNDROME; KIF1A-Related Neurodevelopmental Disorder. Identifiers: Orphanet 662367, MedGen C5393830, MONDO:0013656, OMIM 614255.

Allele frequency attached by ClinVar (database versions not stated): TOPMed below 0.00001; gnomAD 0.00001.
gnomAD v4.1: 1 of 1,611,628 alleles (0.000062%); highest among the groups gnomAD compares: African/African-American, 0.0013%; no homozygotes.

Submission:

Labcorp Genetics (formerly Invitae), Labcorp
Classification: Uncertain significance for Hereditary spastic paraplegia 30; Neuropathy, hereditary sensory, type 2C; Intellectual disability, autosomal dominant 9. Last evaluated: 2022-10-01. Review status: criteria provided, single submitter. Criteria: Invitae Variant Classification Sherloc (09022015). Collection method: clinical testing. Allele origin: germline.
Comment: This sequence change replaces histidine, which is basic and polar, with arginine, which is basic and polar, at codon 1588 of the KIF1A protein (p.His1588Arg). In summary, the available evidence is currently insufficient to determine the role of this variant in disease. Therefore, it has been classified as a Variant of Uncertain Significance. Advanced modeling of protein sequence and biophysical properties (such as structural, functional, and spatial information, amino acid conservation, physicochemical variation, residue mobility, and thermodynamic stability) performed at Invitae indicates that this missense variant is not expected to disrupt KIF1A protein function. This variant has not been reported in the literature in individuals affected with KIF1A-related conditions. This variant is not present in population databases (gnomAD no frequency).